The following is an entry in ClinVar:

NM_015378.4(VPS13D):c.5239C>T (p.Arg1747Trp)

Gene: VPS13D (vacuolar protein sorting 13 homolog D; plus strand). Cytogenetic location: 1p36.22.
Variant type: single nucleotide variant.
Coding change: c.5239C>T on transcript NM_015378.4 (MANE Select); coding-DNA position 5239, C replaced by T.
Protein change: p.Arg1747Trp; replaces arginine 1747 with tryptophan.
Molecular consequence: missense variant.
Genome position (GRCh38, 1-based): chr1:12,283,341, C>T. VCF-style: chr1-12283341-C-T. GRCh37 (hg19) VCF-style: chr1-12343398-C-T.
Other names: c.5239C>T, p.Arg1747Trp (NM_018156.4); c.5239C>T (NM_015378.2); short protein forms R1747W.
Identifiers: ClinVar variation 1303661 (VCV001303661.6), dbSNP rs534368672, ClinGen allele CA602274.

ClinVar aggregate classification (germline): Uncertain significance. Review status: criteria provided, multiple submitters, no conflicts (2 of 4 stars). 3 submissions from 3 submitters: Uncertain significance (3). Last evaluated 2025-05-26.

Conditions:
Inborn genetic diseases. Identifiers: MedGen C0950123, MeSH D030342.

Allele frequency attached by ClinVar (database versions not stated): 1000 Genomes Project 0.00020; gnomAD 0.00006 and 0.00007; ExAC 0.00002; TOPMed 0.00014; 1000 Genomes Project 30x 0.00016; gnomAD exomes 0.00001.

Submissions (3):

Ambry Genetics
Classification: Uncertain significance for Inborn genetic diseases. Last evaluated: 2025-05-26. Review status: criteria provided, single submitter. Criteria: Ambry Variant Classification Scheme 2023. Collection method: clinical testing. Allele origin: germline.

GeneDx
Classification: Uncertain significance. Last evaluated: 2021-01-27. Review status: criteria provided, single submitter. Criteria: GeneDx Variant Classification Process June 2021. Collection method: clinical testing. Allele origin: germline. Affected: yes.
Comment: In silico analysis, which includes protein predictors and evolutionary conservation, supports a deleterious effect; Has not been previously published as pathogenic or benign to our knowledge

Breakthrough Genomics
Classification: Uncertain significance. Review status: criteria provided, single submitter. Criteria: ACMG Guidelines, 2015. Collection method: not provided. Allele origin: germline. Inheritance: Autosomal recessive inheritance. Affected: yes.